The following is an entry in ClinVar:

NM_005560.6(LAMA5):c.9262C>T (p.Arg3088Cys)

Gene: LAMA5 (laminin subunit alpha 5; minus strand). Cytogenetic location: 20q13.33.
Variant type: single nucleotide variant.
Coding change: c.9262C>T on transcript NM_005560.6 (MANE Select); coding-DNA position 9262, C replaced by T.
Protein change: p.Arg3088Cys; replaces arginine 3088 with cysteine.
Molecular consequence: missense variant.
Genome position (GRCh38, 1-based): chr20:62,312,498, G>A on the plus strand (C>T on the coding strand, the complement: LAMA5 is on the minus strand). VCF-style: chr20-62312498-G-A. GRCh37 (hg19) VCF-style: chr20-60887554-G-A.
Other names: c.9262C>T (NM_005560.3); short protein forms R3088C.
Identifiers: ClinVar variation 3775253 (VCV003775253.2).
Genomic context (GRCh38, chr20:62,312,498, plus strand): 5'-TGTTCAGCCGCTTGAGGTCCACATACTTGCCCAGGGCCTTGATGCCTTTGACGCAGCCAC[G>A]GACTGAGCCTCCGGTGGGGAAGAGCCGTCGCAGGCTGTGGGGAAGCGGGGATGCGGGTCA-3'
Protein context (NP_005551.3, residues 3078-3098): RRLFPTGGSV[Arg3088Cys]GCVKGIKALG

ClinVar aggregate classification (germline): Uncertain significance. Review status: criteria provided, multiple submitters, no conflicts (2 of 4 stars). 2 submissions from 2 submitters: Uncertain significance (2). Last evaluated 2026-02-24.

Conditions:
Nephrotic syndrome, IIa 26. Also called: Nephrotic syndrome, type 26. Identifiers: MedGen C5774221, MONDO:0031061, OMIM 620049.
Inborn genetic diseases. Identifiers: MedGen C0950123, MeSH D030342.

gnomAD v4.1: 58 of 1,598,768 alleles (0.0036%); highest among the groups gnomAD compares: Middle Eastern, 0.017%; no homozygotes.

Submissions (2):

Ambry Genetics
Classification: Uncertain significance for Inborn genetic diseases. Last evaluated: 2026-02-24. Review status: criteria provided, single submitter. Criteria: Ambry Variant Classification Scheme 2023. Collection method: clinical testing. Allele origin: germline.

3billion
Classification: Uncertain significance for Nephrotic syndrome, IIa 26. Last evaluated: 2024-01-19. Review status: criteria provided, single submitter. Criteria: ACMG Guidelines, 2015. Collection method: clinical testing. Allele origin: germline. Affected: yes.
Comment: The variant is observed at an extremely low frequency in the gnomAD v2.1.1 dataset (total allele frequency: 0.003%). Predicted Consequence/Location: Missense variant In silico tool predictions suggest damaging effect of the variant on gene or gene product [REVEL: 0.63 (>=0.6, sensitivity 0.68 and specificity 0.92)]. Therefore, this variant is classified as VUS according to the recommendation of ACMG/AMP guideline.